The following is an entry in ClinVar:

ClinVar aggregate classification (germline): Uncertain significance (1 of 4 stars; one submission).

Conditions:
Hereditary cancer-predisposing syndrome. Also called: Tumor predisposition; Hereditary Cancer Syndrome; Hereditary neoplastic syndrome; Neoplastic Syndromes, Hereditary. Identifiers: Orphanet 140162, MedGen C0027672, MeSH D009386, MONDO:0015356.

gnomAD v4.1: 1 of 1,595,470 alleles (0.000063%); highest among the groups gnomAD compares: South Asian, 0.0011%; no homozygotes.

Submission:

Ambry Genetics
Classification: Uncertain significance for Hereditary cancer-predisposing syndrome. Last evaluated: 2023-08-22. Review status: criteria provided, single submitter. Criteria: Ambry Variant Classification Scheme 2023. Collection method: clinical testing. Allele origin: germline.
Comment: The p.T46P variant (also known as c.136A>C), located in coding exon 1 of the TMEM127 gene, results from an A to C substitution at nucleotide position 136. The threonine at codon 46 is replaced by proline, an amino acid with highly similar properties. This amino acid position is highly conserved in available vertebrate species. In addition, this alteration is predicted to be deleterious by in silico analysis. Since supporting evidence is limited at this time, the clinical significance of this alteration remains unclear.

NM_017849.4(TMEM127):c.136A>C (p.Thr46Pro)

Gene: TMEM127 (transmembrane protein 127; minus strand). Cytogenetic location: 2q11.2.
Variant type: single nucleotide variant.
Coding change: c.136A>C on transcript NM_017849.4 (MANE Select); coding-DNA position 136, A replaced by C.
Protein change: p.Thr46Pro; replaces threonine 46 with proline.
Molecular consequence: missense variant. On other transcripts: intron variant (1).
Genome position (GRCh38, 1-based): chr2:96,265,246, T>G on the plus strand (A>C on the coding strand, the complement: TMEM127 is on the minus strand). VCF-style: chr2-96265246-T-G. GRCh37 (hg19) VCF-style: chr2-96930984-T-G.
Other names: c.136A>C, p.Thr46Pro (NM_001193304.3); c.-9+623A>C (NM_001407283.1); short protein forms T46P.
Identifiers: ClinVar variation 2624742 (VCV002624742.2), dbSNP rs144659242, ClinGen allele CA347656045.